The following is an entry in ClinVar:

ClinVar aggregate classification (germline): Likely benign (1 of 4 stars; one submission).

gnomAD v4.1: 6 of 108,204 alleles (0.0055%); highest among the groups gnomAD compares: South Asian, 0.2%; no homozygotes.

Submission:

CeGaT Center for Human Genetics Tuebingen
Classification: Likely benign. Last evaluated: 2025-10-01. Review status: criteria provided, single submitter. Criteria: CeGaT Center For Human Genetics Tuebingen Variant Classification Criteria Version 2. Collection method: clinical testing. Allele origin: germline. Affected: yes. Observed: 1 variant allele.
Comment: FANCB: BP4, BP7

NM_001410764.1(FANCB):c.2760C>T (p.His920=)

Gene: FANCB (FA complementation group B; minus strand). Cytogenetic location: Xp22.2.
Variant type: single nucleotide variant.
Coding change: c.2760C>T on transcript NM_001410764.1; coding-DNA position 2760, C replaced by T.
Protein change: p.His920=; no amino-acid change (histidine 920 retained).
Molecular consequence: synonymous variant.
Genome position (GRCh38, 1-based): chrX:14,796,297, G>A on the plus strand (C>T on the coding strand, the complement: FANCB is on the minus strand). VCF-style: chrX-14796297-G-A. GRCh37 (hg19) VCF-style: chrX-14814419-G-A.
Identifiers: ClinVar variation 4534540 (VCV004534540.6).